The following is an entry in ClinVar:

ClinVar aggregate classification (germline): Likely benign. Review status: criteria provided, single submitter (1 of 4 stars). 2 submissions from 2 submitters: Likely benign (1). 1 of the submissions does not count toward it. Last evaluated 2024-11-26.

Conditions:
ZFHX3-related disorder. Also called: ZFHX3-related condition.

Allele frequency attached by ClinVar (database versions not stated): ExAC 0.00149; ESP Exome Variant Server 0.00178; 1000 Genomes Project 30x 0.00219; 1000 Genomes Project 0.00260; TOPMed 0.00318; gnomAD 0.00334.
gnomAD v4.1: 1,318 of 1,599,850 alleles (0.082%); highest among the groups gnomAD compares: African/African-American, 1%; 4 homozygotes.

Submissions (2):

Blueprint Genetics
Classification: Likely benign. Last evaluated: 2024-11-26. Review status: criteria provided, single submitter. Criteria: ACMG Guidelines, 2015. Collection method: clinical testing. Allele origin: germline.

PreventionGenetics, part of Exact Sciences
Classification: Benign for ZFHX3-related condition. Last evaluated: 2019-08-09. Review status: no assertion criteria provided. Collection method: clinical testing. Allele origin: germline. Not counted in ClinVar's aggregate classification.
Comment: This variant is classified as benign based on ACMG/AMP sequence variant interpretation guidelines (Richards et al. 2015 PMID: 25741868, with internal and published modifications).

NM_006885.4(ZFHX3):c.222C>T (p.Pro74=)

Gene: ZFHX3 (zinc finger homeobox 3; minus strand). Cytogenetic location: 16q22.3.
Variant type: single nucleotide variant.
Coding change: c.222C>T on transcript NM_006885.4 (MANE Select); coding-DNA position 222, C replaced by T.
Protein change: p.Pro74=; no amino-acid change (proline 74 retained).
Molecular consequence: synonymous variant. On other transcripts: intron variant (1).
Genome position (GRCh38, 1-based): chr16:72,959,924, G>A on the plus strand (C>T on the coding strand, the complement: ZFHX3 is on the minus strand). VCF-style: chr16-72959924-G-A. GRCh37 (hg19) VCF-style: chr16-72993823-G-A.
Other names: c.222C>T, p.Pro74= (NM_001386735.1); c.-23-8959C>T (NM_001164766.2).
Identifiers: ClinVar variation 3049676 (VCV003049676.3), dbSNP rs148778425, ClinGen allele CA8165055.